The following is an entry in ClinVar:

NM_005159.5(ACTC1):c.1133A>T (p.Ter378Leu)

Genes: GJD2-DT (GJD2 divergent transcript; plus strand), ACTC1 (actin alpha cardiac muscle 1; minus strand). Cytogenetic location: 15q14.
Variant type: single nucleotide variant.
Coding change: c.1133A>T on transcript NM_005159.5 (MANE Select); coding-DNA position 1133, A replaced by T.
Protein change: p.Ter378Leu.
Molecular consequence: stop lost.
Genome position (GRCh38, 1-based): chr15:34,790,413, T>A on the plus strand (A>T on the coding strand, the complement: ACTC1 is on the minus strand). VCF-style: chr15-34790413-T-A. GRCh37 (hg19) VCF-style: chr15-35082614-T-A.
Other names: c.1133A>T, p.Ter378Leu (NM_001406482.1, NM_001406483.1); c.998A>T, p.Ter333Leu (NM_001406484.1); c.692A>T, p.Ter231Leu (NM_001406485.1).
Identifiers: ClinVar variation 2934757 (VCV002934757.3), dbSNP rs1595759899, ClinGen allele CA391628410.

ClinVar aggregate classification (germline): Uncertain significance (1 of 4 stars; one submission).

Conditions:
Hypertrophic cardiomyopathy 11. Also called: ACTC1-Related Familial Hypertrophic Cardiomyopathy. Identifiers: MedGen C2677506, MONDO:0012799, OMIM 612098.
Dilated cardiomyopathy 1R (CMD1R). Identifiers: Orphanet 154, Orphanet 54260, MedGen C3150681, MONDO:0013261, OMIM 613424.
Atrial septal defect 5 (ASD5). Identifiers: Orphanet 1478, MedGen C2748552, MONDO:0013011, OMIM 612794.

Submission:

Labcorp Genetics (formerly Invitae), Labcorp
Classification: Uncertain significance for Dilated cardiomyopathy 1R; Hypertrophic cardiomyopathy 11; Atrial septal defect 5. Last evaluated: 2023-04-17. Review status: criteria provided, single submitter. Criteria: Invitae Variant Classification Sherloc (09022015). Collection method: clinical testing. Allele origin: germline.
Comment: This variant has not been reported in the literature in individuals affected with ACTC1-related conditions. In summary, the available evidence is currently insufficient to determine the role of this variant in disease. Therefore, it has been classified as a Variant of Uncertain Significance. This sequence change disrupts the translational stop signal of the ACTC1 mRNA. It is expected to extend the length of the ACTC1 protein by 46 additional amino acid residues. This variant is not present in population databases (gnomAD no frequency).